The following is an entry in ClinVar:

NM_033380.3(COL4A5):c.1424G>A (p.Gly475Asp)

Gene: COL4A5 (collagen type IV alpha 5 chain; plus strand). Cytogenetic location: Xq22.3.
Variant type: single nucleotide variant.
Coding change: c.1424G>A on transcript NM_033380.3 (MANE Select); coding-DNA position 1424, G replaced by A.
Protein change: p.Gly475Asp; replaces glycine 475 with aspartic acid.
Molecular consequence: missense variant.
Genome position (GRCh38, 1-based): chrX:108,595,509, G>A. VCF-style: chrX-108595509-G-A. GRCh37 (hg19) VCF-style: chrX-107838739-G-A.
Other names: c.1424G>A, p.Gly475Asp (NM_000495.5); short protein forms G475D.
Identifiers: ClinVar variation 4890862 (VCV004890862.1).

ClinVar aggregate classification (germline): Likely pathogenic (1 of 4 stars; one submission).

Conditions:
Hematuria. Identifiers: MedGen C0018965, HP:0000790.

Submission:

Genetics Laboratory, Great Ormond Street Hospital NHS Foundation Trust, North Thames Genomic Laboratory Hub
Classification: Likely pathogenic for Haematuria. Last evaluated: 2026-07-16. Review status: criteria provided, single submitter. Criteria: ACGS Best Practice Guidelines for Variant Classification in Rare Disease 2024 v1.2. Collection method: clinical testing. Allele origin: germline. Affected: yes.
Comment: PM2_moderate, PP3_supporting, PM5_supporting, PM1_strong